The following is an entry in ClinVar:

NM_000057.4(BLM):c.2794C>T (p.Gln932Ter)

Gene: BLM (BLM RecQ like helicase; plus strand). Cytogenetic location: 15q26.1.
Variant type: single nucleotide variant.
Coding change: c.2794C>T on transcript NM_000057.4 (MANE Select); coding-DNA position 2794, C replaced by T.
Protein change: p.Gln932Ter; replaces glutamine 932 with a stop codon.
Molecular consequence: nonsense.
Genome position (GRCh38, 1-based): chr15:90,785,052, C>T. VCF-style: chr15-90785052-C-T. GRCh37 (hg19) VCF-style: chr15-91328282-C-T.
Other names: c.2794C>T, p.Gln932Ter (NM_001287246.2, NM_001287247.2); c.1669C>T, p.Gln557Ter (NM_001287248.2); short protein forms Q557*, Q932*.
Identifiers: ClinVar variation 1368846 (VCV001368846.6), dbSNP rs2151179928, ClinGen allele CA393846130.

ClinVar aggregate classification (germline): Pathogenic (1 of 4 stars; one submission).

Conditions:
Bloom syndrome (BLM). Also called: Bloom-Torre-Machacek syndrome. Identifiers: Orphanet 125, MedGen C0005859, MONDO:0008876, OMIM 210900.

Submission:

Labcorp Genetics (formerly Invitae), Labcorp
Classification: Pathogenic for Bloom syndrome. Last evaluated: 2026-01-11. Review status: criteria provided, single submitter. Criteria: Invitae Variant Classification Sherloc (09022015). Collection method: clinical testing. Allele origin: germline.
Comment: This sequence change creates a premature translational stop signal (p.Gln932*) in the BLM gene. It is expected to result in an absent or disrupted protein product. Loss-of-function variants in BLM are known to be pathogenic (PMID: 17407155). This variant is not present in population databases (gnomAD no frequency). This variant has not been reported in the literature in individuals affected with BLM-related conditions. ClinVar contains an entry for this variant (Variation ID: 1368846). For these reasons, this variant has been classified as Pathogenic.

Literature cited by the submitters: PubMed 17407155.